The following is an entry in ClinVar:

NM_001288705.3(CSF1R):c.2563C>A (p.Pro855Thr)

Gene: CSF1R (colony stimulating factor 1 receptor; minus strand). Cytogenetic location: 5q32.
Variant type: single nucleotide variant.
Coding change: c.2563C>A on transcript NM_001288705.3 (MANE Select); coding-DNA position 2563, C replaced by A.
Protein change: p.Pro855Thr; replaces proline 855 with threonine.
Molecular consequence: missense variant. On other transcripts: non-coding transcript variant (2).
Genome position (GRCh38, 1-based): chr5:150,055,328, G>T on the plus strand (C>A on the coding strand, the complement: CSF1R is on the minus strand). VCF-style: chr5-150055328-G-T. GRCh37 (hg19) VCF-style: chr5-149434891-G-T.
Other names: c.2563C>A, p.Pro855Thr (NM_001349736.2, NM_001375320.1, NM_005211.4); c.2119C>A, p.Pro707Thr (NM_001375321.1); short protein forms P707T, P855T.
Identifiers: ClinVar variation 3382005 (VCV003382005.2).

ClinVar aggregate classification (germline): Likely pathogenic (1 of 4 stars; one submission).

Conditions:
Leukoencephalopathy, diffuse hereditary, with spheroids 1 (HDLS1). Also called: DEMENTIA, FAMILIAL, NEUMANN TYPE; SUBCORTICAL GLIOSIS OF NEUMANN; CSF1R-related adult-onset leukoencephalopathy with axonal spheroids and pigmented glia. Identifiers: Orphanet 313808, MedGen C5561929, MONDO:0800027, OMIM 221820.

Submission:

Juno Genomics, Hangzhou Juno Genomics, Inc
Classification: Likely pathogenic for Leukoencephalopathy, diffuse hereditary, with spheroids 1. Review status: criteria provided, single submitter. Criteria: ACMG Guidelines, 2015. Collection method: clinical testing. Allele origin: germline. Affected: yes.
Comment: Absent from controls (or at extremely low frequency if recessive) in Genome Aggregation Database, Exome Sequencing Project, 1000 Genomes Project, or Exome Aggregation Consortium.;Multiple lines of computational evidence support a deleterious effect on the gene or gene product (conservation, evolutionary, splicing impact, etc).;The prevalence of the variant in affected individuals is significantly increased compared to the prevalence in controls.;Patient's phenotype or family history is highly specific for a disease with a single genetic etiology.;Located in a mutational hot spot and/or critical and well-established functional domain (e.g. active site of an enzyme) without benign variation.